The following is an entry in ClinVar:

ClinVar aggregate classification (germline): Likely pathogenic. Review status: reviewed by expert panel (3 of 4 stars). 5 submissions from 5 submitters: Likely pathogenic (1). 4 of the submissions do not count toward it. Last evaluated 2021-03-21.

Conditions:
PAH-related disorder. Also called: PAH-related condition.
Phenylketonuria (PKU). Also called: Phenylketonuria (PKU); FOLLING DISEASE; OLIGOPHRENIA PHENYLPYRUVICA; Phenylketonurias. Identifiers: Orphanet 716, MedGen C0031485, MONDO:0009861, OMIM 261600. Disease mechanism: loss of function.

Allele frequency attached by ClinVar (database versions not stated): gnomAD exomes below 0.00001.
gnomAD v4.1: 6 of 1,601,048 alleles (0.00037%); highest among the groups gnomAD compares: Non-Finnish European, 0.00043%; no homozygotes.

Submissions (5):

ClinGen PAH Variant Curation Expert Panel
Classification: Likely pathogenic for Phenylketonuria. Last evaluated: 2021-03-21. Review status: reviewed by expert panel. Criteria: ClinGen PAH ACMG Specifications v1. Collection method: curation. Allele origin: germline. Inheritance: Autosomal recessive inheritance.
Comment: The PAH variant c.1065+1G>A (IVS10+1G>A) affects the canonical splice site (donor site). Loss of function in the PAH gene is a known mechanism of disease. Exon skipping is predicted to not disrupt the reading frame. This variant is predicted to alter a region that is critical to protein function. The PAH variant c.1065+1G>A (IVS10+1G>A) was identified in two French patients with mild hyperphenylalaninemia (mHP, 180 < Phe < 600 Î¼mol/L) with the likely pathogenic variant c.261C>A (p.Ser87Arg) and with the pathogenic variant c.1169A>G (p.Glu390Gly)(PMID: 26666653). According to gnomAD, the PAH variant c.1065+1G>A (IVS10+1G>A) is present at a low allele frequency in population databases, with the highest reported frequency in the European (Finnish) population (0.00005). In summary, this variant meets the criteria to be classified as likely pathogenic. PAH-specific ACMG/AMP criteria applied: PM2, PM3_Supporting, PP4, and PVS1_Strong.

Blueprint Genetics
Classification: Pathogenic for PAH-related disorders. Last evaluated: 2024-08-19. Review status: criteria provided, single submitter. Criteria: ACMG Guidelines, 2015. Collection method: clinical testing. Allele origin: germline. Affected: yes. Observed: 1 variant allele. Not counted in ClinVar's aggregate classification.

Labcorp Genetics (formerly Invitae), Labcorp
Classification: Pathogenic for Phenylketonuria. Last evaluated: 2022-03-17. Review status: criteria provided, single submitter. Criteria: Invitae Variant Classification Sherloc (09022015). Collection method: clinical testing. Allele origin: germline. Not counted in ClinVar's aggregate classification.
Comment: Algorithms developed to predict the effect of sequence changes on RNA splicing suggest that this variant may disrupt the consensus splice site. ClinVar contains an entry for this variant (Variation ID: 102501). This variant is also known as IVS10+1G>A. Disruption of this splice site has been observed in individual(s) with hyperphenylalaninemia (PMID: 29176022). This variant is present in population databases (rs62516147, gnomAD no frequency). This sequence change affects a donor splice site in intron 10 of the PAH gene. It is expected to disrupt RNA splicing. Variants that disrupt the donor or acceptor splice site typically lead to a loss of protein function (PMID: 16199547), and loss-of-function variants in PAH are known to be pathogenic (PMID: 1301187, 9634518). For these reasons, this variant has been classified as Pathogenic.

Counsyl
Classification: Pathogenic for Phenylketonuria. Last evaluated: 2016-08-26. Review status: no assertion criteria provided. Collection method: clinical testing. Allele origin: unknown. Not counted in ClinVar's aggregate classification.

DeBelle Laboratory for Biochemical Genetics, MUHC/MCH RESEARCH INSTITUTE
No classification provided. Review status: no classification provided. Collection method: not provided. Allele origin: not provided. Not counted in ClinVar's aggregate classification.

Literature cited by the submitters: PubMed 29176022 (cited by Labcorp Genetics (formerly Invitae), Labcorp); PubMed 16199547 (cited by Labcorp Genetics (formerly Invitae), Labcorp); PubMed 1301187 (cited by Labcorp Genetics (formerly Invitae), Labcorp); PubMed 9634518 (cited by Labcorp Genetics (formerly Invitae), Labcorp); PubMed 25525159 (cited by Counsyl); PubMed 10679941 (cited by Counsyl); PubMed 26666653 (cited by Counsyl).

NM_000277.3(PAH):c.1065+1G>A

Gene: PAH (phenylalanine hydroxylase; minus strand). Cytogenetic location: 12q23.2.
Variant type: single nucleotide variant.
Coding change: c.1065+1G>A on transcript NM_000277.3 (MANE Select); the canonical splice donor site of the intron after coding-DNA position 1065, G replaced by A.
Molecular consequence: splice donor variant.
Genome position (GRCh38, 1-based): chr12:102,844,335, C>T on the plus strand (G>A on the coding strand, the complement: PAH is on the minus strand). VCF-style: chr12-102844335-C-T. GRCh37 (hg19) VCF-style: chr12-103238113-C-T.
Other names: c.1065+1G>A (NM_001354304.2).
Identifiers: ClinVar variation 102501 (VCV000102501.11), dbSNP rs62516147, ClinGen allele CA229315.